The following is an entry in ClinVar:

ClinVar aggregate classification (germline): Pathogenic. Review status: criteria provided, multiple submitters, no conflicts (2 of 4 stars). 11 submissions from 11 submitters: Pathogenic (10). 1 of the submissions does not count toward it. Last evaluated 2025-12-31.

Conditions:
ABCC8-related disorder.
Hereditary hyperinsulinism.
Familial hyperinsulinism. Also called: Congenital hyperinsulinism. Identifiers: Orphanet 276525, MedGen C3888018, MONDO:0017182. Disease mechanism: loss of function.
Hyperinsulinemic hypoglycemia, familial, 1 (HHF1). Also called: Persistent hyperinsulinemic hypoglycemia of infancy; NESIDIOBLASTOSIS OF PANCREAS; Persistent Hyperinsulinemia Hypoglycemia of Infancy; HYPERINSULINISM, FAMILIAL, WITH PANCREATIC NESIDIOBLASTOSIS; HYPOGLYCEMIA, HYPERINSULINEMIC, OF INFANCY. Identifiers: Orphanet 276575, Orphanet 276598, MedGen C2931832, MONDO:0009734, OMIM 256450.
Type 2 diabetes mellitus. Also called: Type II diabetes mellitus. Identifiers: MedGen C0011860, MeSH D003924, MONDO:0005148, OMIM 125853, HP:0005978.

Allele frequency attached by ClinVar (database versions not stated): gnomAD exomes 0.00001; TOPMed 0.00002.
gnomAD v4.1: 12 of 1,550,058 alleles (0.00077%); highest among the groups gnomAD compares: African/African-American, 0.0027%; no homozygotes.

Submissions (11):

Labcorp Genetics (formerly Invitae), Labcorp
Classification: Pathogenic. Last evaluated: 2025-12-31. Review status: criteria provided, single submitter. Criteria: Invitae Variant Classification Sherloc (09022015). Collection method: clinical testing. Allele origin: germline.
Comment: This sequence change replaces arginine, which is basic and polar, with glutamine, which is neutral and polar, at codon 1436 of the ABCC8 protein (p.Arg1436Gln). This variant also falls at the last nucleotide of exon 35, which is part of the consensus splice site for this exon. This variant is present in population databases (rs387906407, gnomAD 0.007%). This missense change has been observed in individuals with autosomal recessive diffuse or focal ABCC8-related conditions (PMID: 23275527, 26431509). This variant is also known as R1437Q. ClinVar contains an entry for this variant (Variation ID: 9086). An algorithm developed to predict the effect of missense changes on protein structure and function (PolyPhen-2) suggests that this variant is likely to be disruptive. Experimental studies have shown that this missense change affects ABCC8 function (PMID: 10615958, 17466004). Variants that disrupt the consensus splice site are a relatively common cause of aberrant splicing (PMID: 17576681, 9536098). Algorithms developed to predict the effect of sequence changes on RNA splicing suggest that this variant may disrupt the consensus splice site. For these reasons, this variant has been classified as Pathogenic.

Natera, Inc.
Classification: Pathogenic for Hereditary hyperinsulinism. Last evaluated: 2025-11-21. Review status: criteria provided, single submitter. Criteria: Natera Variant Classification Schema (03/2026). Collection method: clinical testing. Allele origin: germline.
Comment: The c.4307G>A variant in ABCC8 is a missense variant predicted to cause substitution of arginine to glutamine at amino acid 1436. This variant is rare in the general population with a frequency below the threshold expected for the associated phenotype(s). This variant has been observed in one or more individuals affected with the associated recessive disease, as either homozygous or compound heterozygous with a second variant (PMID: 27682711, 16429405, 7716548). This variant has been observed in affected individual(s) with monoallelic occurrence (heterozygous/hemizygous) (PMID: 26431509, 23067144). Functional studies show that this variant may disrupt protein function (PMID: 7716548). Computational prediction algorithms indicate this variant is likely to affect gene or protein function. Given the available evidence, this variant is classified as Pathogenic.

Blueprint Genetics
Classification: Pathogenic for ABCC8-related disorders. Last evaluated: 2024-09-10. Review status: criteria provided, single submitter. Criteria: ACMG Guidelines, 2015. Collection method: clinical testing. Allele origin: germline. Affected: yes. Observed: 3 variant alleles.

CeGaT Center for Human Genetics Tuebingen
Classification: Pathogenic. Last evaluated: 2024-05-01. Review status: criteria provided, single submitter. Criteria: CeGaT Center For Human Genetics Tuebingen Variant Classification Criteria Version 2. Collection method: clinical testing. Allele origin: germline. Affected: yes. Observed: 1 variant allele.
Comment: ABCC8: PS3, PM1, PM2, PS4:Moderate

Genomic Medicine Center of Excellence, King Faisal Specialist Hospital and Research Centre
Classification: Pathogenic for Hyperinsulinemic hypoglycemia, familial, 1. Last evaluated: 2024-03-26. Review status: criteria provided, single submitter. Criteria: ACMG Guidelines, 2015. Collection method: clinical testing. Allele origin: germline.

Baylor Genetics
Classification: Pathogenic for Type 2 diabetes mellitus. Last evaluated: 2024-03-24. Review status: criteria provided, single submitter. Criteria: ACMG Guidelines, 2015. Collection method: clinical testing. Allele origin: unknown.

Broad Center for Mendelian Genomics, Broad Institute of MIT and Harvard
Classification: Pathogenic for Hyperinsulinemic hypoglycemia, familial, 1. Last evaluated: 2023-08-16. Review status: criteria provided, single submitter. Criteria: ACMG Guidelines, 2015. Collection method: curation. Allele origin: germline. Inheritance: Autosomal recessive inheritance.
Comment: The p.Arg1436Gln variant in ABCC8 has been reported in at least 10 individuals with hyperinsulinemic hypoglycemia (PMID: 12199344, 25555642, 9041101, 16429405, 32170320, 9618169, 26431509, 23275527, 10615958, 27682711, 17378627), and has been identified in 0.006% (1/15422) of European (non-Finnish) chromosomes by the Genome Aggregation Database (gnomAD; dbSNP rs387906407). Although this variant has been seen in the general population in a heterozygous state, its frequency is low enough to be consistent with a recessive carrier frequency. This variant has also been reported in ClinVar (Variation ID#: 9086) and has been interpreted as pathogenic by OMIM, Invitae, Women's Health and Genetics/Laboratory Corporation of America (LabCorp), Genetic Services Laboratory (University of Chicago), and Natera Inc. Of the 10 affected individuals, 3 were compound heterozygotes that carried a reported pathogenic variant in trans, and 2 were homozygotes, which increases the likelihood that the p.Arg1436Gln variant is pathogenic (PMID: 9041101, 26431509, 23275527). In vitro functional studies provide some evidence that the p.Arg1436Gln variant may impact protein function (PMID: 9041101, 10615958). However, these types of assays may not accurately represent biological function. Computational prediction tools and conservation analyses suggest that this variant may impact the protein, though this information is not predictive enough to determine pathogenicity. In summary, this variant meets criteria to be classified as pathogenic for autosomal recessive hyperinsulinemic hypoglycemia. ACMG/AMP Criteria applied: PM3_very-strong, PS3_moderate, PP3, PM2_supporting (Richards 2015).

Athena Diagnostics
Classification: Pathogenic. Last evaluated: 2021-03-26. Review status: criteria provided, single submitter. Criteria: Athena Diagnostics Criteria. Collection method: clinical testing. Allele origin: unknown.
Comment: The frequency of this variant in the general population is consistent with pathogenicity. This variant has been identified in multiple individuals with clinical features associated with this gene (PMID: 27682711, 26431509, 10615958, 9618169, 7716548, 12199344, 16186397, 18493152, 9365062). This variant is located in a region that is considered important and the assessment of experimental evidence suggests that this variant results in abnormal protein function (PMID: 10615958, 17466004). Computational tools yielded predictions that this variant may interfere with normal RNA splicing, which is supported by experimental evidence (PMID 7716548).This observation is not an independent occurrence and has been identified in the same individual by RCIGM, the other laboratory participating in the GEMINI study.

Women's Health and Genetics/Laboratory Corporation of America, LabCorp
Classification: Pathogenic for Familial hyperinsulinism. Last evaluated: 2020-09-18. Review status: criteria provided, single submitter. Criteria: LabCorp Variant Classification Summary - May 2015. Collection method: clinical testing. Allele origin: germline.
Comment: Variant summary: ABCC8 c.4307G>A (p.Arg1436Gln) results in a conservative amino acid change located in the AAA+ ATPase domain (IPR003593) of the encoded protein sequence. Four of five in-silico tools predict a damaging effect of the variant on protein function. The variant is also located to the last nucleotide of exon 35, therefore might affect splicing. Several computational tools predict a significant impact on normal splicing: one predicts the variant abolishes a 5' splicing donor site, while three predict the variant weakens this 5' donor site. At least one publication reported experimental evidence and confirmed that this variant affects mRNA splicing (Thomas_1995). The variant was absent in 157474 control chromosomes (gnomAD). c.4307G>A has been reported in the literature in multiple homozygous-, compound heterozygous- and heterozygous individuals affected with Congenital Hyperinsulinism, and in several of the reported families the was variant noted to co-segregate with the disease (e.g. Thomas_1995, Dunne_1997, Nestorowicz_1998, Tanizawa_2000, Fernandez_2006, Greer_2007, Muzyamba_2007, Rozenkova_2015, Warncke_2016). These data indicate that the variant is very likely to be associated with the disease. A publication demonstrated the absence of activity of ATP-dependent potassium channels when examining pancreatic beta cells derived from a homozygous patient (Dunne_1997); in addition, other reports evaluating the protein level impact of the variant using (intronless) cDNA constructs, demonstrated an almost complete lack of channel activity for the variant protein (Tanizawa_2000, Muzyamba_2007). One clinical diagnostic laboratory has submitted clinical-significance assessments for this variant to ClinVar after 2014, and classified the variant as pathogenic. Based on the evidence outlined above, the variant was classified as pathogenic.

Genetic Services Laboratory, University of Chicago
Classification: Pathogenic. Last evaluated: 2018-04-27. Review status: criteria provided, single submitter. Criteria: ACMG Guidelines, 2015. Collection method: clinical testing. Allele origin: germline. Affected: yes.

OMIM
Classification: Pathogenic for HYPERINSULINEMIC HYPOGLYCEMIA, FAMILIAL, 1. Last evaluated: 2020-04-30. Review status: no assertion criteria provided. Collection method: literature only. Allele origin: germline. Not counted in ClinVar's aggregate classification.

Literature cited by the submitters: PubMed 23275527 (cited by Labcorp Genetics (formerly Invitae), Labcorp); PubMed 26431509 (cited by 3 submitters); PubMed 10615958 (cited by Labcorp Genetics (formerly Invitae), Labcorp and Women's Health and Genetics/Laboratory Corporation of America, LabCorp); PubMed 17466004 (cited by 3 submitters); PubMed 17576681 (cited by Labcorp Genetics (formerly Invitae), Labcorp); PubMed 9536098 (cited by Labcorp Genetics (formerly Invitae), Labcorp); PubMed 27682711 (cited by Natera, Inc. and Women's Health and Genetics/Laboratory Corporation of America, LabCorp); PubMed 16429405 (cited by Natera, Inc. and Women's Health and Genetics/Laboratory Corporation of America, LabCorp); PubMed 7716548 (cited by 3 submitters); PubMed 23067144 (cited by Natera, Inc.); PubMed 9618169 (cited by Women's Health and Genetics/Laboratory Corporation of America, LabCorp); PubMed 9041101 (cited by Women's Health and Genetics/Laboratory Corporation of America, LabCorp); PubMed 17378627 (cited by Women's Health and Genetics/Laboratory Corporation of America, LabCorp).

NM_000352.6(ABCC8):c.4307G>A (p.Arg1436Gln)

Gene: ABCC8 (ATP binding cassette subfamily C member 8; minus strand). Cytogenetic location: 11p15.1.
Variant type: single nucleotide variant.
Coding change: c.4307G>A on transcript NM_000352.6 (MANE Select); coding-DNA position 4307, G replaced by A.
Protein change: p.Arg1436Gln; replaces arginine 1436 with glutamine.
Molecular consequence: missense variant. On other transcripts: non-coding transcript variant (1).
Genome position (GRCh38, 1-based): chr11:17,395,610, C>T on the plus strand (G>A on the coding strand, the complement: ABCC8 is on the minus strand). VCF-style: chr11-17395610-C-T. GRCh37 (hg19) VCF-style: chr11-17417157-C-T.
Other names: ABCC8, EX35, G-A; NM_000352.6(ABCC8):c.4307G>A; p.Arg1436Gln; IVS, G-A, -1, EXON CHI DEL; c.4310G>A, p.Arg1437Gln (NM_001287174.3); c.4373G>A, p.Arg1458Gln (NM_001351295.2); c.4307G>A, p.Arg1436Gln (NM_001351296.2); c.4304G>A, p.Arg1435Gln (NM_001351297.2); short protein forms R1436Q, R1437Q, R1435Q, R1458Q.
Identifiers: ClinVar variation 9086 (VCV000009086.41), dbSNP rs387906407, ClinGen allele CA254627.
Genomic context (GRCh38, chr11:17,395,610, plus strand): 5'-AGATCTGATGGAACTGAGCCGGCCTGGGGCTGGGTGGGCCTGAGGGGTGGTGGGGCTCAC[C>T]GGATGGTGCCGCTGAAGAGGACGGGGTCCTGCAGGATGATGGAGAGGCGTGAGCGCAGGG-3'
Protein context (NP_000343.2, residues 1426-1446): QDPVLFSGTI[Arg1436Gln]FNLDPERKCS